The following is an entry in ClinVar:

ClinVar aggregate classification (germline): Uncertain significance. Review status: criteria provided, multiple submitters, no conflicts (2 of 4 stars). 2 submissions from 2 submitters: Uncertain significance (2). Last evaluated 2022-06-21.

Allele frequency attached by ClinVar (database versions not stated): gnomAD exomes 0.00001; ExAC 0.00005; gnomAD 0.00012; 1000 Genomes Project 30x 0.00016; ESP Exome Variant Server 0.00017; TOPMed 0.00017; 1000 Genomes Project 0.00020.
gnomAD v4.1: 35 of 1,607,578 alleles (0.0022%); highest among the groups gnomAD compares: African/African-American, 0.043%; no homozygotes.

Submissions (2):

Ambry Genetics
Classification: Uncertain significance. Last evaluated: 2022-06-21. Review status: criteria provided, single submitter. Criteria: Ambry Variant Classification Scheme 2023. Collection method: clinical testing. Allele origin: germline.

GeneDx
Classification: Uncertain significance. Last evaluated: 2022-01-25. Review status: criteria provided, single submitter. Criteria: GeneDx Variant Classification Process June 2021. Collection method: clinical testing. Allele origin: germline. Affected: yes.
Comment: In silico analysis supports that this missense variant has a deleterious effect on protein structure/function; Has not been previously published as pathogenic or benign to our knowledge; Variants in candidate genes are classified as variants of uncertain significance in accordance with ACMG guidelines (Richards et al., 2015)

NM_018897.3(DNAH7):c.658A>G (p.Lys220Glu)

Gene: DNAH7 (dynein axonemal heavy chain 7; minus strand). Cytogenetic location: 2q32.3.
Variant type: single nucleotide variant.
Coding change: c.658A>G on transcript NM_018897.3 (MANE Select); coding-DNA position 658, A replaced by G.
Protein change: p.Lys220Glu; replaces lysine 220 with glutamic acid.
Molecular consequence: missense variant.
Genome position (GRCh38, 1-based): chr2:196,026,769, T>C on the plus strand (A>G on the coding strand, the complement: DNAH7 is on the minus strand). VCF-style: chr2-196026769-T-C. GRCh37 (hg19) VCF-style: chr2-196891493-T-C.
Other names: short protein forms K220E.
Identifiers: ClinVar variation 2365666 (VCV002365666.3), dbSNP rs372596500, ClinGen allele CA2036918.